The following is an entry in ClinVar:

NM_001354930.2(RIPK1):c.95C>T (p.Ser32Phe)

Gene: RIPK1 (receptor interacting serine/threonine kinase 1; plus strand). Cytogenetic location: 6p25.2.
Variant type: single nucleotide variant.
Coding change: c.95C>T on transcript NM_001354930.2 (MANE Select); coding-DNA position 95, C replaced by T.
Protein change: p.Ser32Phe; replaces serine 32 with phenylalanine.
Molecular consequence: missense variant. On other transcripts: 5 prime UTR variant (4).
Genome position (GRCh38, 1-based): chr6:3,076,918, C>T. VCF-style: chr6-3076918-C-T. GRCh37 (hg19) VCF-style: chr6-3077152-C-T.
Other names: c.-509C>T (NM_001317061.3, NM_001354932.2, NM_001354933.2 and 1 more transcripts); c.95C>T, p.Ser32Phe (NM_001354931.2, NM_003804.6); short protein forms S32F.
Identifiers: ClinVar variation 2980626 (VCV002980626.3), dbSNP rs745666998, ClinGen allele CA3618065.

ClinVar aggregate classification (germline): Uncertain significance (1 of 4 stars; one submission).

Allele frequency attached by ClinVar (database versions not stated): gnomAD exomes 0.00003; ExAC 0.00002; gnomAD 0.00002; TOPMed 0.00002.
gnomAD v4.1: 51 of 1,611,818 alleles (0.0032%); highest among the groups gnomAD compares: Non-Finnish European, 0.004%; no homozygotes.

Submission:

Labcorp Genetics (formerly Invitae), Labcorp
Classification: Uncertain significance. Last evaluated: 2025-07-06. Review status: criteria provided, single submitter. Criteria: Invitae Variant Classification Sherloc (09022015). Collection method: clinical testing. Allele origin: germline.
Comment: This sequence change replaces serine, which is neutral and polar, with phenylalanine, which is neutral and non-polar, at codon 32 of the RIPK1 protein (p.Ser32Phe). This variant is present in population databases (rs745666998, gnomAD 0.004%). This variant has not been reported in the literature in individuals affected with RIPK1-related conditions. ClinVar contains an entry for this variant (Variation ID: 2980626). An algorithm developed to predict the effect of missense changes on protein structure and function (PolyPhen-2) suggests that this variant is likely to be tolerated. In summary, the available evidence is currently insufficient to determine the role of this variant in disease. Therefore, it has been classified as a Variant of Uncertain Significance.